The following is an entry in ClinVar:

NM_001875.5(CPS1):c.1360-1G>C

Gene: CPS1 (carbamoyl-phosphate synthase 1; plus strand). Cytogenetic location: 2q34.
Variant type: single nucleotide variant.
Coding change: c.1360-1G>C on transcript NM_001875.5 (MANE Select); the canonical splice acceptor site of the intron before coding-DNA position 1360, G replaced by C.
Molecular consequence: splice acceptor variant.
Genome position (GRCh38, 1-based): chr2:210,599,371, G>C. VCF-style: chr2-210599371-G-C. GRCh37 (hg19) VCF-style: chr2-211464095-G-C.
Other names: c.1360-1G>C (NM_001369257.1, NM_001122633.3); c.1393-1G>C (NM_001369256.1).
Identifiers: ClinVar variation 2074992 (VCV002074992.4), dbSNP rs2469146777, ClinGen allele CA350435040.

ClinVar aggregate classification (germline): Likely pathogenic (1 of 4 stars; one submission).

Conditions:
Congenital hyperammonemia, type I. Also called: CPS I DEFICIENCY; Carbamoyl phosphate synthetase I deficiency disease; Carbamoyl-phosphate synthase I deficiency; Carbamoyl phosphate synthetase 1 deficiency; Hyperammonemia due to carbamoyl phosphate synthetase 1 deficiency; CPS 1 deficiency. Identifiers: Orphanet 147, MedGen C4082171, MONDO:0009376, OMIM 237300.

Submission:

Labcorp Genetics (formerly Invitae), Labcorp
Classification: Likely pathogenic for Congenital hyperammonemia, type I. Last evaluated: 2022-10-05. Review status: criteria provided, single submitter. Criteria: Invitae Variant Classification Sherloc (09022015). Collection method: clinical testing. Allele origin: germline.
Comment: This variant has not been reported in the literature in individuals affected with CPS1-related conditions. This sequence change affects an acceptor splice site in intron 13 of the CPS1 gene. It is expected to disrupt RNA splicing. Variants that disrupt the donor or acceptor splice site typically lead to a loss of protein function (PMID: 16199547), and loss-of-function variants in CPS1 are known to be pathogenic (PMID: 21120950). This variant is not present in population databases (gnomAD no frequency). Algorithms developed to predict the effect of sequence changes on RNA splicing suggest that this variant may disrupt the consensus splice site. In summary, the currently available evidence indicates that the variant is pathogenic, but additional data are needed to prove that conclusively. Therefore, this variant has been classified as Likely Pathogenic.

Literature cited by the submitters: PubMed 16199547; PubMed 21120950.